The following is an entry in ClinVar:

NM_002397.5(MEF2C):c.68A>G (p.Lys23Arg)

Gene: MEF2C (myocyte enhancer factor 2C; minus strand). Cytogenetic location: 5q14.3.
Variant type: single nucleotide variant.
Coding change: c.68A>G on transcript NM_002397.5 (MANE Select); coding-DNA position 68, A replaced by G.
Protein change: p.Lys23Arg; replaces lysine 23 with arginine.
Molecular consequence: missense variant.
Genome position (GRCh38, 1-based): chr5:88,804,788, T>C on the plus strand (A>G on the coding strand, the complement: MEF2C is on the minus strand). VCF-style: chr5-88804788-T-C. GRCh37 (hg19) VCF-style: chr5-88100605-T-C.
Other names: c.68A>G, p.Lys23Arg (NM_001131005.2, NM_001193347.1, NM_001193348.1 and 29 more transcripts); short protein forms K23R.
Identifiers: ClinVar variation 209171 (VCV000209171.2), dbSNP rs797045053, ClinGen allele CA250375.
Genomic context (GRCh38, chr5:88,804,788, plus strand): 5'-ATCTCACAGTCACACAGCACGCTCAGCTCATAAGCCTTCTTCATCAACCCAAATTTCCTC[T>C]TTGTAAATGTCACCTAGAAAAAAGAAAGCAGCCAAGATTTTTTAAAAAATATTCATGCAT-3'
Protein context (NP_002388.2, residues 13-33): DERNRQVTFT[Lys23Arg]RKFGLMKKAY

ClinVar aggregate classification (germline): Likely pathogenic (1 of 4 stars; one submission).

Conditions:
Neurodevelopmental disorder with hypotonia, stereotypic hand movements, and impaired language. Also called: Intellectual disability, autosomal dominant 20. Identifiers: Orphanet 228384, Orphanet 664410, MedGen C3150700, MONDO:0013266, OMIM 613443.

Submission:

Baylor Genetics
Classification: Likely pathogenic for Mental retardation, stereotypic movements, epilepsy, and/or cerebral malformations. Last evaluated: 2014-07-28. Review status: criteria provided, single submitter. Criteria: Yang et al. 2013. Collection method: clinical testing. Allele origin: de novo. Inheritance: Autosomal dominant inheritance. Affected: yes. Observed: 1 variant allele, 1 heterozygote. Study: Adult_WES.

Literature cited by the submitters: PubMed 26633545 (cited by Baylor Genetics).